The following is an entry in ClinVar:

ClinVar aggregate classification (germline): Uncertain significance. Review status: criteria provided, multiple submitters, no conflicts (2 of 4 stars). 5 submissions from 5 submitters: Uncertain significance (5). Last evaluated 2025-07-14.

Conditions:
RYR1-related disorder. Also called: RYR1-related condition; RYR1-related disorders. Identifiers: MedGen CN239331.
Malignant hyperthermia, susceptibility to, 1 (MHS1). Also called: RYR1-Related Malignant Hyperthermia Susceptibility; Anesthesia related hyperthermia; Malignant hyperpyrexia; Fulminating hyperpyrexia; Pharmacogenic myopathy; Malignant hyperthermia suceptibility 1. Identifiers: Orphanet 423, MedGen C2930980, MONDO:0007783, OMIM 145600.

Allele frequency attached by ClinVar (database versions not stated): gnomAD exomes below 0.00001 and 0.00001; gnomAD 0.00001.
gnomAD v4.1: 11 of 1,613,426 alleles (0.00068%); highest among the groups gnomAD compares: Admixed American, 0.0017%; no homozygotes.

Submissions (5):

Labcorp Genetics (formerly Invitae), Labcorp
Classification: Uncertain significance for RYR1-related disorder. Last evaluated: 2025-07-14. Review status: criteria provided, single submitter. Criteria: Invitae Variant Classification Sherloc (09022015). Collection method: clinical testing. Allele origin: germline.
Comment: This sequence change replaces alanine, which is neutral and non-polar, with threonine, which is neutral and polar, at codon 3300 of the RYR1 protein (p.Ala3300Thr). The frequency data for this variant in the population databases is considered unreliable, as metrics indicate poor data quality at this position in the gnomAD database. This variant has not been reported in the literature in individuals affected with RYR1-related conditions. ClinVar contains an entry for this variant (Variation ID: 1483510). Invitae Evidence Modeling of protein sequence and biophysical properties (such as structural, functional, and spatial information, amino acid conservation, physicochemical variation, residue mobility, and thermodynamic stability) indicates that this missense variant is not expected to disrupt RYR1 protein function with a negative predictive value of 80%. In summary, the available evidence is currently insufficient to determine the role of this variant in disease. Therefore, it has been classified as a Variant of Uncertain Significance.

GeneDx
Classification: Uncertain significance. Last evaluated: 2024-09-24. Review status: criteria provided, single submitter. Criteria: GeneDx Variant Classification Process June 2021. Collection method: clinical testing. Allele origin: germline. Affected: yes.
Comment: Not observed at significant frequency in large population cohorts (gnomAD); In silico analysis indicates that this missense variant does not alter protein structure/function; Has not been previously published as pathogenic or benign to our knowledge

All of Us Research Program, National Institutes of Health
Classification: Uncertain significance for Malignant hyperthermia, susceptibility to, 1. Last evaluated: 2023-12-13. Review status: criteria provided, single submitter. Criteria: ACMG Guidelines, 2015. Collection method: clinical testing. Allele origin: germline. Inheritance: Autosomal dominant inheritance. Observed: 6 variant alleles, 6 heterozygotes.
Comment: This missense variant replaces alanine with threonine at codon 3300 of the RYR1 protein. Computational prediction suggests that this variant may not impact protein structure and function (internally defined REVEL score threshold <= 0.5, PMID: 27666373). To our knowledge, functional studies have not been reported for this variant. This variant has not been reported in individuals affected with RYR1-related disorders in the literature. This variant has been identified in 1/247670 chromosomes in the general population by the Genome Aggregation Database (gnomAD). The available evidence is insufficient to determine the role of this variant in disease conclusively. Therefore, this variant is classified as a Variant of Uncertain Significance.

This study involves interpretation of variants in research participants for the purpose of population health screening. Participant phenotype was not available at the time of variant classification. Additional details can be found in publication PMID: 35346344, PMCID: PMC8962531

Color Diagnostics, LLC DBA Color Health
Classification: Uncertain significance for Malignant hyperthermia, susceptibility to, 1. Last evaluated: 2023-11-15. Review status: criteria provided, single submitter. Criteria: ACMG Guidelines, 2015. Collection method: clinical testing. Allele origin: germline.
Comment: This missense variant replaces alanine with threonine at codon 3300 of the RYR1 protein. Computational prediction suggests that this variant may not impact protein structure and function. To our knowledge, functional studies have not been reported for this variant. This variant has not been reported in individuals affected with RYR1-related disorders in the literature. This variant has been identified in 1/247670 chromosomes in the general population by the Genome Aggregation Database (gnomAD). The available evidence is insufficient to determine the role of this variant in disease conclusively. Therefore, this variant is classified as a Variant of Uncertain Significance.

Blueprint Genetics
Classification: Uncertain significance. Last evaluated: 2021-04-19. Review status: criteria provided, single submitter. Criteria: ACMG Guidelines, 2015. Collection method: clinical testing. Allele origin: germline.

NM_000540.3(RYR1):c.9898G>A (p.Ala3300Thr)

Gene: RYR1 (ryanodine receptor 1; plus strand). Cytogenetic location: 19q13.2.
Variant type: single nucleotide variant.
Coding change: c.9898G>A on transcript NM_000540.3 (MANE Select); coding-DNA position 9898, G replaced by A.
Protein change: p.Ala3300Thr; replaces alanine 3300 with threonine.
Molecular consequence: missense variant.
Genome position (GRCh38, 1-based): chr19:38,517,571, G>A. VCF-style: chr19-38517571-G-A. GRCh37 (hg19) VCF-style: chr19-39008211-G-A.
Other names: c.9898G>A, p.Ala3300Thr (NM_001042723.2); c.9898G>A (NM_000540.2); short protein forms A3300T.
Identifiers: ClinVar variation 1483510 (VCV001483510.8), dbSNP rs1568528516, ClinGen allele CA084954.
Genomic context (GRCh38, chr19:38,517,571, plus strand): 5'-TACCTGCCCCGATGGTGGGAGCGCGGGCCCGAGGCACCCCCTTCCGCCCTGCCCGCCGGC[G>A]CCCCCCCACCCTGCACAGCTGTCACCTCTGACCACCTCAACTCCCTGCTGGGGAATATCC-3'
Protein context (NP_000531.2, residues 3290-3310): EAPPSALPAG[Ala3300Thr]PPPCTAVTSD